The following is an entry in ClinVar:

ClinVar aggregate classification (germline): Uncertain significance (1 of 4 stars; one submission).

Conditions:
Ehlers-Danlos syndrome, classic type, 1 (EDSCL1). Also called: EHLERS-DANLOS SYNDROME, GRAVIS TYPE; EHLERS-DANLOS SYNDROME, SEVERE CLASSIC TYPE; Ehlers-Danlos syndrome, type 1; EDS I; Ehlers-Danlos Syndrome, Classic Type, COL5A1-Related. Identifiers: MedGen C0268335, MONDO:0019567, OMIM 130000.
Osteogenesis imperfecta type I (OI1). Also called: OI, TYPE I; OSTEOGENESIS IMPERFECTA TARDA; OSTEOGENESIS IMPERFECTA WITH BLUE SCLERAE; Osteogenesis imperfecta type 1; Lobstein's Disease; Lobstein disease. Identifiers: Orphanet 216796, Orphanet 666, MedGen C0023931, MONDO:0008146, OMIM 166200. Disease mechanism: loss of function.

Submission:

Labcorp Genetics (formerly Invitae), Labcorp
Classification: Uncertain significance for Osteogenesis imperfecta type I; Ehlers-Danlos syndrome, classic type, 1. Last evaluated: 2022-04-21. Review status: criteria provided, single submitter. Criteria: Invitae Variant Classification Sherloc (09022015). Collection method: clinical testing. Allele origin: germline.
Comment: In summary, the available evidence is currently insufficient to determine the role of this variant in disease. Therefore, it has been classified as a Variant of Uncertain Significance. Algorithms developed to predict the effect of sequence changes on RNA splicing suggest that this variant may disrupt the consensus splice site. This variant has not been reported in the literature in individuals affected with COL1A2-related conditions. This variant is not present in population databases (gnomAD no frequency). This sequence change affects codon 1030 of the COL1A2 mRNA. It is a 'silent' change, meaning that it does not change the encoded amino acid sequence of the COL1A2 protein.

NM_000089.4(COL1A2):c.3090T>A (p.Gly1030=)

Gene: COL1A2 (collagen type I alpha 2 chain; plus strand). Cytogenetic location: 7q21.3.
Variant type: single nucleotide variant.
Coding change: c.3090T>A on transcript NM_000089.4 (MANE Select); coding-DNA position 3090, T replaced by A.
Protein change: p.Gly1030=; no amino-acid change (glycine 1030 retained).
Molecular consequence: synonymous variant.
Genome position (GRCh38, 1-based): chr7:94,426,515, T>A. VCF-style: chr7-94426515-T-A. GRCh37 (hg19) VCF-style: chr7-94055827-T-A.
Identifiers: ClinVar variation 2128974 (VCV002128974.4), dbSNP rs2484736395, ClinGen allele CA456490378.